The following is an entry in ClinVar:

ClinVar aggregate classification (germline): Pathogenic (1 of 4 stars; one submission).

Conditions:
Loeys-Dietz syndrome 6. Identifiers: MedGen C5562041, MONDO:0030500, OMIM 619656.

Submission:

Variantyx, Inc.
Classification: Pathogenic for Loeys-Dietz syndrome 6. Last evaluated: 2025-10-27. Review status: criteria provided, single submitter. Criteria: Variantyx Assertion Criteria 2022. Collection method: clinical testing. Allele origin: de novo. Inheritance: Autosomal dominant inheritance. Affected: yes.
Comment: This is a nonsynonymous variant in the SMAD2 gene (OMIM: 601366). Pathogenic variants in this gene have been associated with autosomal dominant Loeys-Dietz syndrome 6. This variant lies within the MH2 domain, which is a hotspot for pathogenic variants, and this substitution results in ablation of a serine residue whose phosphorylation is required for proper downstream activation of the TGF-beta pathway (PMID: 29967133; 15210694) (PM1_Strong). Multiple computational algorithms predict a deleterious effect for this variant (REVEL score: 0.78) (PP3). This variant is absent from control populations (PM2) and it has not been reported in individuals with SMAD2-related disorders in the databases available for review. Based on the current evidence, this variant is classified as pathogenic for autosomal dominant Loeys-Dietz syndrome 6.

Literature cited by the submitters: PubMed 29967133; PubMed 15210694.

NM_005901.6(SMAD2):c.1394G>C (p.Ser465Thr)

Gene: SMAD2 (SMAD family member 2; minus strand). Cytogenetic location: 18q21.1.
Variant type: single nucleotide variant.
Coding change: c.1394G>C on transcript NM_005901.6 (MANE Select); coding-DNA position 1394, G replaced by C.
Protein change: p.Ser465Thr; replaces serine 465 with threonine.
Molecular consequence: missense variant.
Genome position (GRCh38, 1-based): chr18:47,841,837, C>G on the plus strand (G>C on the coding strand, the complement: SMAD2 is on the minus strand). VCF-style: chr18-47841837-C-G. GRCh37 (hg19) VCF-style: chr18-45368208-C-G.
Other names: c.1394G>C, p.Ser465Thr (NM_001003652.4); c.1304G>C, p.Ser435Thr (NM_001135937.3); short protein forms S435T, S465T.
Identifiers: ClinVar variation 4850754 (VCV004850754.1).